The following is an entry in ClinVar:

ClinVar aggregate classification (germline): Conflicting classifications of pathogenicity. Review status: criteria provided, conflicting classifications (1 of 4 stars). 6 submissions from 6 submitters: Uncertain significance (3); Likely benign (3). Last evaluated 2025-08-20.

Conditions:
Hereditary cancer-predisposing syndrome. Also called: Hereditary Cancer Syndrome; Neoplastic Syndromes, Hereditary; Hereditary neoplastic syndrome; Tumor predisposition. Identifiers: Orphanet 140162, MedGen C0027672, MeSH D009386, MONDO:0015356.
Hereditary breast ovarian cancer syndrome. Also called: Hereditary breast and ovarian cancer syndrome (HBOC); Breast and ovarian cancer; Hereditary breast and ovarian cancer syndrome; Hereditary breast and ovarian cancer; BRCA1- and BRCA2-Associated Hereditary Breast and Ovarian Cancer; Hereditary breast and/or ovarian cancer syndrome. Identifiers: Orphanet 145, MedGen C0677776, MeSH D061325, MONDO:0003582. Disease mechanism: loss of function.
Breast-ovarian cancer, familial, susceptibility to, 1 (BROVCA1). Also called: BRCA1 Hereditary Breast and Ovarian Cancer; OVARIAN CANCER, SUSCEPTIBILITY TO. Identifiers: Orphanet 145, MedGen C2676676, MONDO:0011450, OMIM 604370. Disease mechanism: loss of function.

Submissions (7):

Color Diagnostics, LLC DBA Color Health
Classification: Likely benign for Hereditary cancer-predisposing syndrome. Last evaluated: 2025-08-20. Review status: criteria provided, single submitter. Criteria: ACMG Guidelines, 2015. Collection method: clinical testing. Allele origin: germline.

Labcorp Genetics (formerly Invitae), Labcorp
Classification: Uncertain significance for Hereditary breast ovarian cancer syndrome. Last evaluated: 2025-07-30. Review status: criteria provided, single submitter. Criteria: Invitae Variant Classification Sherloc (09022015). Collection method: clinical testing. Allele origin: germline.
Comment: This sequence change replaces glutamine, which is neutral and polar, with glutamic acid, which is acidic and polar, at codon 1721 of the BRCA1 protein (p.Gln1721Glu). This variant is not present in population databases (gnomAD no frequency). This variant has not been reported in the literature in individuals affected with BRCA1-related conditions. ClinVar contains an entry for this variant (Variation ID: 240818). Invitae Evidence Modeling incorporating data from in vitro experimental studies (PMID: 30209399) indicates that this missense variant is not expected to disrupt BRCA1 function with a negative predictive value of 95%. Experimental studies have shown that this missense change does not substantially affect BRCA1 function (PMID: 30209399). In summary, the available evidence is currently insufficient to determine the role of this variant in disease. Therefore, it has been classified as a Variant of Uncertain Significance.

Women's Health and Genetics/Laboratory Corporation of America, LabCorp
Classification: Uncertain significance. Last evaluated: 2024-12-17. Review status: criteria provided, single submitter. Criteria: LabCorp Variant Classification Summary - May 2015. Collection method: clinical testing. Allele origin: germline.
Comment: Variant summary: BRCA1 c.5161C>G (p.Gln1721Glu) results in a conservative amino acid change in the encoded protein sequence. Four of five in-silico tools predict a benign effect of the variant on protein function. The variant was absent in 250974 control chromosomes (gnomAD). The available data on variant occurrences in the general population are insufficient to allow any conclusion about variant significance. To our knowledge, no occurrence of c.5161C>G in individuals affected with Hereditary Breast And Ovarian Cancer Syndrome has been reported. At least one functional study reports experimental evidence evaluating an impact on protein function and showed no damaging effect of this variant on homology directed repair (HDR) activity (e.g. Findlay_2018). HDR assays qualify as a recognized gold standard on the basis of updated guidance provided by the ClinGen Sequence Variant Interpretation (SVI) working group. The following publication has been ascertained in the context of this evaluation (PMID: 30209399). ClinVar contains an entry for this variant (Variation ID: 240818). Based on the evidence outlined above, the variant was classified as uncertain significance.

Ambry Genetics
Classification: Likely benign for Hereditary cancer-predisposing syndrome. Last evaluated: 2024-10-02. Review status: criteria provided, single submitter. Criteria: Ambry Variant Classification Scheme 2023. Collection method: clinical testing. Allele origin: germline.

Lupski Lab, Baylor-Hopkins CMG, Baylor College of Medicine
Classification: Likely benign for Breast-ovarian cancer, familial, susceptibility to, 1. Last evaluated: 2024-04-12. Review status: criteria provided, single submitter. Criteria: Dawood et al. (medRxiv. 2024). Collection method: curation. Allele origin: germline.
Comment: Each variant was annotated with functional scores from MAVE data which was translated into functional evidence codes. All other evidence codes and combining criteria were adhered to as closely as possible based on the ClinGen VCEP (Variant Curation Expert Panel) gene-specific recommendations. See Supplemental Figure 34 of final paper (Supp Fig. 28 in preprint: doi:10.1101/2024.04.11.24305690) for a table to see which lines of evidence we did not have data for. The ClinGen VCEPs are highly regarded as the gold-standard for gene-specific variant curation and are developed after extensive evaluation of the evidence by clinical and scientific experts for the particular gene to classify genomic variants on a spectrum from pathogenic to benign using the 2015 ACMG/AMP Variant Interpretation Guidelines as a backbone (PMID: 25741868). Reclassification of these VUS variants from gnomAD or All of Us focused only on variants originally prescribed as VUS in ClinVar. To ensure reproducibility, transparency, and increased throughput, all the procedures for annotating variants and assigning evidence codes were codified using Python. All code has been made freely available and is linked in the Code Availability section and all reclassified variants with evidence codes used can be found in Tables S18-19 (preprint: doi:10.1101/2024.04.11.24305690). For the MAVE data, the clinical curation and clinical strength assignment as per the ClinGen recommendations in Brnich et al. (2020) (PMID: 31892348) for or against pathogenicity or benignity of each of these MAVE datasets utilized in this study were previously published in Fayer et al. (2021) (PMID: 34793697).In brief, for BRCA1 variants, if a variant was categorized as FUNC (functional), it was assigned BS3 evidence and no PS3 evidence, whereas if it was categorized as LOF (loss of function), the variant was assigned PS3 evidence and no BS3 evidence. Variants categorized as INT (intermediate) were left unannotated. For the BRCA1 combining criteria, greater than or equal to 1 criteria of strong benign evidence was enough to reclassify the VUS as Likely Benign. This variant GRCh38:17:43063365:G>C was assigned evidence codes ['BS3', 'BP4'] and an overall classification of Likely benign

Baylor Genetics
Classification: Uncertain significance for Breast-ovarian cancer, familial, susceptibility to, 1. Last evaluated: 2023-09-13. Review status: criteria provided, single submitter. Criteria: ACMG Guidelines, 2015. Collection method: clinical testing. Allele origin: unknown.

Brotman Baty Institute, University of Washington
No classification provided (evidence only). Condition: Breast-ovarian cancer, familial 1. Review status: no classification provided. Collection method: in vitro. Allele origin: not applicable. Functional consequence: functionally_normal. Not counted in ClinVar's aggregate classification.
ClinVar note: "not provided" was previously submitted as the classification for the variant. However, the classification appeared to be based only on an observation of functional data so it was converted to no classification on 2025-07-30.

Literature cited by the submitters: PubMed 30209399 (cited by 3 submitters); PubMed 39142283 (cited by Lupski Lab, Baylor-Hopkins CMG, Baylor College of Medicine); PubMed 34793697 (cited by Lupski Lab, Baylor-Hopkins CMG, Baylor College of Medicine); DOI 10.1101/2024.04.11.24305690 (cited by Lupski Lab, Baylor-Hopkins CMG, Baylor College of Medicine).

NM_007294.4(BRCA1):c.5161C>G (p.Gln1721Glu)

Gene: BRCA1 (BRCA1 DNA repair associated; minus strand). Cytogenetic location: 17q21.31.
Variant type: single nucleotide variant.
Coding change: c.5161C>G on transcript NM_007294.4 (MANE Select); coding-DNA position 5161, C replaced by G.
Protein change: p.Gln1721Glu; replaces glutamine 1721 with glutamic acid.
Molecular consequence: missense variant. On other transcripts: non-coding transcript variant (1).
Genome position (GRCh38, 1-based): chr17:43,063,365, G>C on the plus strand (C>G on the coding strand, the complement: BRCA1 is on the minus strand). VCF-style: chr17-43063365-G-C. GRCh37 (hg19) VCF-style: chr17-41215382-G-C.
Other names: c.4948C>G, p.Gln1650Glu (NM_001407571.1, NM_001407894.1, NM_001407895.1 and 12 more transcripts); c.5227C>G, p.Gln1743Glu (NM_001407581.1, NM_001407582.1); c.5224C>G, p.Gln1742Glu (NM_001407583.1, NM_001407585.1, NM_001407587.1 and 1 more transcripts); c.5221C>G, p.Gln1741Glu (NM_001407590.1, NM_001407591.1); c.5161C>G, p.Gln1721Glu (NM_001407593.1, NM_001407594.1, NM_001407596.1 and 7 more transcripts); c.5158C>G, p.Gln1720Glu (NM_001407616.1, NM_001407617.1, NM_001407618.1 and 17 more transcripts); c.5155C>G, p.Gln1719Glu (NM_001407635.1, NM_001407636.1, NM_001407637.1 and 14 more transcripts); c.5152C>G, p.Gln1718Glu (NM_001407644.1, NM_001407645.1); and 72 more; short protein forms Q1721E, Q1674E, Q1742E, Q617E, Q1594E, Q1610E, Q1631E, Q1632E.
Identifiers: ClinVar variation 240818 (VCV000240818.20), dbSNP rs878854957, ClinGen allele CA10583549.
Genomic context (GRCh38, chr17:43,063,365, plus strand): 5'-TGGTTAGTTTGTAACATCAAGTACTTACCTCATTCAGCATTTTTCTTTCTTTAATAGACT[G>C]GGTCACCCCTAAAGAGATCATAGAAAAGACAGGTTACATACAGCAGAAGAACGTGCTCTT-3'
Protein context (NP_009225.1, residues 1711-1731): KWVVSYFWVT[Gln1721Glu]SIKERKMLNE